The following is an entry in ClinVar:

NC_000009.12:g.35657968G>T

Gene: RMRP (RNA component of mitochondrial RNA processing endoribonuclease; minus strand). Cytogenetic location: 9p13.3.
Variant type: single nucleotide variant.
Genome position: GRCh38 VCF-style: chr9-35657968-G-T. GRCh37 (hg19) VCF-style: chr9-35657965-G-T.
Identifiers: ClinVar variation 1404795 (VCV001404795.6), dbSNP rs1064793373, ClinGen allele CA464450950.
Genomic context (GRCh38, chr9:35,657,968, plus strand): 5'-CGTATGCACGTGGCACTCTCTGCCCGAGGTCCGGGGACTTTCCCCTAGGCGGAAAGGGGA[G>T]GAACAGAGTCCTCAGTGTGTAGCCTAGGATACAGGCCTTCAGCACGAACCACGTCCTCAG-3'

ClinVar aggregate classification (germline): Uncertain significance (1 of 4 stars; one submission).

Conditions:
Anauxetic dysplasia. Identifiers: Orphanet 93347, MedGen C1846796, MONDO:0011773.

Submission:

Labcorp Genetics (formerly Invitae), Labcorp
Classification: Uncertain significance for Anauxetic dysplasia. Last evaluated: 2022-03-07. Review status: criteria provided, single submitter. Criteria: Invitae Variant Classification Sherloc (09022015). Collection method: clinical testing. Allele origin: germline.
Comment: This variant occurs in the RMRP gene, which encodes an RNA molecule that does not result in a protein product. This variant is not present in population databases (gnomAD no frequency). This variant has not been reported in the literature in individuals affected with RMRP-related conditions. Experimental studies and prediction algorithms are not available or were not evaluated, and the functional significance of this variant is currently unknown. In summary, the available evidence is currently insufficient to determine the role of this variant in disease. Therefore, it has been classified as a Variant of Uncertain Significance.